The following is an entry in ClinVar:

NM_014271.4(IL1RAPL1):c.746A>G (p.Glu249Gly)

Gene: IL1RAPL1 (interleukin 1 receptor accessory protein like 1; plus strand). Cytogenetic location: Xp21.2.
Variant type: single nucleotide variant.
Coding change: c.746A>G on transcript NM_014271.4 (MANE Select); coding-DNA position 746, A replaced by G.
Protein change: p.Glu249Gly; replaces glutamic acid 249 with glycine.
Molecular consequence: missense variant.
Genome position (GRCh38, 1-based): chrX:29,668,472, A>G. VCF-style: chrX-29668472-A-G. GRCh37 (hg19) VCF-style: chrX-29686589-A-G.
Other names: short protein forms E249G.
Identifiers: ClinVar variation 1708911 (VCV001708911.3), dbSNP rs2519309563, ClinGen allele CA412633565.

ClinVar aggregate classification (germline): Uncertain significance. Review status: criteria provided, multiple submitters, no conflicts (2 of 4 stars). 2 submissions from 2 submitters: Uncertain significance (2). Last evaluated 2024-02-13.

Conditions:
Inborn genetic diseases. Identifiers: MedGen C0950123, MeSH D030342.

Allele frequency attached by ClinVar (database versions not stated): gnomAD exomes below 0.00001.
gnomAD v4.1: 4 of 1,209,201 alleles (0.00033%); highest among the groups gnomAD compares: Non-Finnish European, 0.00045%; no homozygotes.

Submissions (2):

Ambry Genetics
Classification: Uncertain significance for Inborn genetic diseases. Last evaluated: 2024-02-13. Review status: criteria provided, single submitter. Criteria: Ambry Variant Classification Scheme 2023. Collection method: clinical testing. Allele origin: germline.

GeneDx
Classification: Uncertain significance. Last evaluated: 2022-06-30. Review status: criteria provided, single submitter. Criteria: GeneDx Variant Classification Process June 2021. Collection method: clinical testing. Allele origin: germline. Affected: yes.
Comment: Not observed in large population cohorts (gnomAD); In silico analysis, which includes protein predictors and evolutionary conservation, supports a deleterious effect; Has not been previously published as pathogenic or benign to our knowledge